The following is an entry in ClinVar:

NM_001195518.2(MICU1):c.931G>T (p.Glu311Ter)

Gene: MICU1 (mitochondrial calcium uptake 1; minus strand). Cytogenetic location: 10q22.1.
Variant type: single nucleotide variant.
Coding change: c.931G>T on transcript NM_001195518.2 (MANE Select); coding-DNA position 931, G replaced by T.
Protein change: p.Glu311Ter; replaces glutamic acid 311 with a stop codon.
Molecular consequence: nonsense.
Genome position (GRCh38, 1-based): chr10:72,475,102, C>A on the plus strand (G>T on the coding strand, the complement: MICU1 is on the minus strand). VCF-style: chr10-72475102-C-A. GRCh37 (hg19) VCF-style: chr10-74234860-C-A.
Other names: c.337G>T, p.Glu113Ter (NM_001195519.2); c.949G>T, p.Glu317Ter (NM_001363513.2); c.937G>T, p.Glu313Ter (NM_006077.4); short protein forms E311*, E313*, E113*, E317*.
Identifiers: ClinVar variation 2809049 (VCV002809049.3), dbSNP rs2495369149, ClinGen allele CA377392585.
Genomic context (GRCh38, chr10:72,475,102, plus strand): 5'-GCCCTCCTGCCCATCAGTTCCACATGTGATGGATCTACTGAGTCTAAGGAAGACCTACCT[C>A]AAGCTTCAGAACATCATGCTGCAGTTTACGCTGAAATTCGAGGAAGTTTTTGATTGTCAG-3'

ClinVar aggregate classification (germline): Pathogenic (1 of 4 stars; one submission).

Submission:

Labcorp Genetics (formerly Invitae), Labcorp
Classification: Pathogenic. Last evaluated: 2023-03-27. Review status: criteria provided, single submitter. Criteria: Invitae Variant Classification Sherloc (09022015). Collection method: clinical testing. Allele origin: germline.
Comment: For these reasons, this variant has been classified as Pathogenic. This variant has not been reported in the literature in individuals affected with MICU1-related conditions. This variant is not present in population databases (gnomAD no frequency). This sequence change creates a premature translational stop signal (p.Glu313*) in the MICU1 gene. It is expected to result in an absent or disrupted protein product. Loss-of-function variants in MICU1 are known to be pathogenic (PMID: 24336167).

Literature cited by the submitters: PubMed 24336167.